The following is an entry in ClinVar:

ClinVar aggregate classification (germline): Pathogenic (1 of 4 stars; one submission).

Conditions:
Neurofibromatosis, type 1 (NF1). Also called: Peripheral type neurofibromatosis; Neurofibromatosis, type I; VON RECKLINGHAUSEN DISEASE; NEUROFIBROMATOSIS, TYPE I, SOMATIC. Identifiers: Orphanet 636, MedGen C0027831, MONDO:0018975, OMIM 162200. Disease mechanism: loss of function.

Submission:

Labcorp Genetics (formerly Invitae), Labcorp
Classification: Pathogenic for Neurofibromatosis, type 1. Last evaluated: 2023-04-04. Review status: criteria provided, single submitter. Criteria: Invitae Variant Classification Sherloc (09022015). Collection method: clinical testing. Allele origin: germline.
Comment: This sequence change creates a premature translational stop signal (p.Glu1121*) in the NF1 gene. It is expected to result in an absent or disrupted protein product. Loss-of-function variants in NF1 are known to be pathogenic (PMID: 10712197, 23913538). This variant is not present in population databases (gnomAD no frequency). This variant has not been reported in the literature in individuals affected with NF1-related conditions. ClinVar contains an entry for this variant (Variation ID: 577899). Algorithms developed to predict the effect of sequence changes on RNA splicing suggest that this variant may disrupt the consensus splice site. For these reasons, this variant has been classified as Pathogenic.

Literature cited by the submitters: PubMed 10712197; PubMed 23913538.

NM_001042492.3(NF1):c.3361G>T (p.Glu1121Ter)

Gene: NF1 (neurofibromin 1; plus strand). Cytogenetic location: 17q11.2.
Variant type: single nucleotide variant.
Coding change: c.3361G>T on transcript NM_001042492.3 (MANE Select); coding-DNA position 3361, G replaced by T.
Protein change: p.Glu1121Ter; replaces glutamic acid 1121 with a stop codon.
Molecular consequence: nonsense.
Genome position (GRCh38, 1-based): chr17:31,232,746, G>T. VCF-style: chr17-31232746-G-T. GRCh37 (hg19) VCF-style: chr17-29559764-G-T.
Other names: c.3361G>T, p.Glu1121Ter (NM_000267.4); short protein forms E1121*.
Identifiers: ClinVar variation 577899 (VCV000577899.5), dbSNP rs1567851029, ClinGen allele CA398989067.
Genomic context (GRCh38, chr17:31,232,746, plus strand): 5'-TTTTTATTTCTCAGATACTTCACATTATTTATGAACCTTTTGAATGACTGCAGTGAAGTT[G>T]AAGATGAAAGTGCGCAAACAGGTGGCAGGAAACGTGGCATGTCTCGGAGGCTGGCATCAC-3'